The following is an entry in ClinVar:

NM_032273.4(TMEM126A):c.166C>T (p.Arg56Cys)

Gene: TMEM126A (transmembrane protein 126A; plus strand). Cytogenetic location: 11q14.1.
Variant type: single nucleotide variant.
Coding change: c.166C>T on transcript NM_032273.4 (MANE Select); coding-DNA position 166, C replaced by T.
Protein change: p.Arg56Cys; replaces arginine 56 with cysteine.
Molecular consequence: missense variant. On other transcripts: 5 prime UTR variant (1).
Genome position (GRCh38, 1-based): chr11:85,654,142, C>T. VCF-style: chr11-85654142-C-T. GRCh37 (hg19) VCF-style: chr11-85365186-C-T.
Other names: c.-45C>T (NM_001244735.2); c.166C>T (NM_032273.3); short protein forms R56C.
Identifiers: ClinVar variation 1914204 (VCV001914204.6), dbSNP rs149739249, ClinGen allele CA6212709.

ClinVar aggregate classification (germline): Uncertain significance. Review status: criteria provided, multiple submitters, no conflicts (2 of 4 stars). 2 submissions from 2 submitters: Uncertain significance (2). Last evaluated 2024-04-16.

Allele frequency attached by ClinVar (database versions not stated): gnomAD 0.00001; gnomAD exomes 0.00001; ExAC 0.00002; TOPMed 0.00002; ESP Exome Variant Server 0.00008.
gnomAD v4.1: 13 of 1,614,022 alleles (0.00081%); highest among the groups gnomAD compares: East Asian, 0.0045%; no homozygotes.

Submissions (2):

Ambry Genetics
Classification: Uncertain significance. Last evaluated: 2024-04-16. Review status: criteria provided, single submitter. Criteria: Ambry Variant Classification Scheme 2023. Collection method: clinical testing. Allele origin: germline.

Labcorp Genetics (formerly Invitae), Labcorp
Classification: Uncertain significance. Last evaluated: 2022-07-26. Review status: criteria provided, single submitter. Criteria: Invitae Variant Classification Sherloc (09022015). Collection method: clinical testing. Allele origin: germline.
Comment: In summary, the available evidence is currently insufficient to determine the role of this variant in disease. Therefore, it has been classified as a Variant of Uncertain Significance. Algorithms developed to predict the effect of sequence changes on RNA splicing suggest that this variant may disrupt the consensus splice site. Algorithms developed to predict the effect of missense changes on protein structure and function (SIFT, PolyPhen-2, Align-GVGD) all suggest that this variant is likely to be disruptive. This variant has not been reported in the literature in individuals affected with TMEM126A-related conditions. This variant is present in population databases (rs149739249, gnomAD 0.01%). This sequence change replaces arginine, which is basic and polar, with cysteine, which is neutral and slightly polar, at codon 56 of the TMEM126A protein (p.Arg56Cys).